The following is an entry in ClinVar:

ClinVar aggregate classification (germline): Benign. Review status: criteria provided, multiple submitters, no conflicts (2 of 4 stars). 4 submissions from 3 submitters: Benign (4). Last evaluated 2020-04-23.

Conditions:
Microcephaly 9, primary, autosomal recessive. Identifiers: Orphanet 2512, MedGen C3553886, MONDO:0013923, OMIM 614852.
Seckel syndrome 5 (SCKL5). Identifiers: Orphanet 808, MedGen C3151187, MONDO:0013443, OMIM 613823.

Allele frequency attached by ClinVar (database versions not stated): 1000 Genomes Project 30x 0.19800; gnomAD exomes 0.05556; TOPMed 0.13799; 1000 Genomes Project 0.19708; gnomAD 0.11928 and 0.12495.
gnomAD v4.1: 18,960 of 152,338 alleles (12%); highest among the groups gnomAD compares: East Asian, 30%; 1,548 homozygotes.

Submissions (4):

GeneDx
Classification: Benign. Last evaluated: 2020-04-23. Review status: criteria provided, single submitter. Criteria: GeneDx Variant Classification Process June 2021. Collection method: clinical testing. Allele origin: germline. Affected: yes.

Illumina Laboratory Services, Illumina
Classification: Benign for Seckel syndrome 5. Last evaluated: 2018-01-12. Review status: criteria provided, single submitter. Criteria: ICSL Variant Classification Criteria 13 December 2019. Collection method: clinical testing. Allele origin: germline.
Comment: This variant was observed in the ICSL laboratory as part of a predisposition screen in an ostensibly healthy population. It had not been previously curated by ICSL or reported in the Human Gene Mutation Database (HGMD: prior to June 1st, 2018), and was therefore a candidate for classification through an automated scoring system. Utilizing variant allele frequency, disease prevalence and penetrance estimates, and inheritance mode, an automated score was calculated to assess if this variant is too frequent to cause the disease. Based on the score and internal cut-off values, a variant classified as benign is not then subjected to further curation. The score for this variant resulted in a classification of benign for this disease.

Illumina Laboratory Services, Illumina
Classification: Benign for Microcephaly 9, primary, autosomal recessive. Last evaluated: 2018-01-12. Review status: criteria provided, single submitter. Criteria: ICSL Variant Classification Criteria 13 December 2019. Collection method: clinical testing. Allele origin: germline.
Comment: the same text as in the submission from Illumina Laboratory Services, Illumina above.

Breakthrough Genomics
Classification: Benign. Review status: criteria provided, single submitter. Criteria: ACMG Guidelines, 2015. Collection method: not provided. Allele origin: germline. Inheritance: Autosomal recessive inheritance. Affected: yes.

NM_001194998.2(CEP152):c.-94A>G

Gene: CEP152 (centrosomal protein 152; minus strand). Cytogenetic location: 15q21.1.
Variant type: single nucleotide variant.
Coding change: c.-94A>G on transcript NM_001194998.2 (MANE Select); 94 bases upstream of the start codon, A replaced by G.
Molecular consequence: 5 prime UTR variant.
Genome position (GRCh38, 1-based): chr15:48,811,047, T>C on the plus strand (A>G on the coding strand, the complement: CEP152 is on the minus strand). VCF-style: chr15-48811047-T-C. GRCh37 (hg19) VCF-style: chr15-49103244-T-C.
Other names: c.-94A>G (NM_014985.4).
Identifiers: ClinVar variation 316436 (VCV000316436.7), dbSNP rs2304546, ClinGen allele CA10642122.